The following is an entry in ClinVar:

NM_001018113.3(FANCB):c.1354G>A (p.Glu452Lys)

Gene: FANCB (FA complementation group B; minus strand). Cytogenetic location: Xp22.2.
Variant type: single nucleotide variant.
Coding change: c.1354G>A on transcript NM_001018113.3 (MANE Select); coding-DNA position 1354, G replaced by A.
Protein change: p.Glu452Lys; replaces glutamic acid 452 with lysine.
Molecular consequence: missense variant.
Genome position (GRCh38, 1-based): chrX:14,850,647, C>T on the plus strand (G>A on the coding strand, the complement: FANCB is on the minus strand). VCF-style: chrX-14850647-C-T. GRCh37 (hg19) VCF-style: chrX-14868769-C-T.
Other names: c.1354G>A, p.Glu452Lys (NM_001324162.2, NM_001410764.1, NM_152633.4); short protein forms E452K.
Identifiers: ClinVar variation 3624890 (VCV003624890.2).

ClinVar aggregate classification (germline): Uncertain significance (1 of 4 stars; one submission).

Conditions:
Fanconi anemia (FA). Also called: Fanconi's anemia. Identifiers: Orphanet 84, MedGen C0015625, MeSH D005199, MONDO:0019391.

gnomAD v4.1: 4 of 1,179,226 alleles (0.00034%); highest among the groups gnomAD compares: East Asian, 0.003%; no homozygotes.

Submission:

Labcorp Genetics (formerly Invitae), Labcorp
Classification: Uncertain significance for Fanconi anemia. Last evaluated: 2024-04-06. Review status: criteria provided, single submitter. Criteria: Invitae Variant Classification Sherloc (09022015). Collection method: clinical testing. Allele origin: germline.
Comment: This sequence change replaces glutamic acid, which is acidic and polar, with lysine, which is basic and polar, at codon 452 of the FANCB protein (p.Glu452Lys). This variant is present in population databases (rs761286423, gnomAD 0.001%), including at least one homozygous and/or hemizygous individual. This variant has not been reported in the literature in individuals affected with FANCB-related conditions. Advanced modeling of protein sequence and biophysical properties (such as structural, functional, and spatial information, amino acid conservation, physicochemical variation, residue mobility, and thermodynamic stability) performed at Invitae indicates that this missense variant is not expected to disrupt FANCB protein function with a negative predictive value of 80%. In summary, the available evidence is currently insufficient to determine the role of this variant in disease. Therefore, it has been classified as a Variant of Uncertain Significance.